The following is an entry in ClinVar:

ClinVar aggregate classification (germline): Uncertain significance (1 of 4 stars; one submission).

Submission:

Labcorp Genetics (formerly Invitae), Labcorp
Classification: Uncertain significance. Last evaluated: 2023-08-10. Review status: criteria provided, single submitter. Criteria: Invitae Variant Classification Sherloc (09022015). Collection method: clinical testing. Allele origin: germline.
Comment: This sequence change replaces threonine, which is neutral and polar, with asparagine, which is neutral and polar, at codon 3778 of the HMCN1 protein (p.Thr3778Asn). This variant is not present in population databases (gnomAD no frequency). This variant has not been reported in the literature in individuals affected with HMCN1-related conditions. ClinVar contains an entry for this variant (Variation ID: 2015423). An algorithm developed to predict the effect of missense changes on protein structure and function (PolyPhen-2) suggests that this variant is likely to be tolerated. In summary, the available evidence is currently insufficient to determine the role of this variant in disease. Therefore, it has been classified as a Variant of Uncertain Significance.

NM_031935.3(HMCN1):c.11333C>A (p.Thr3778Asn)

Gene: HMCN1 (hemicentin 1; plus strand). Cytogenetic location: 1q31.1.
Variant type: single nucleotide variant.
Coding change: c.11333C>A on transcript NM_031935.3 (MANE Select); coding-DNA position 11333, C replaced by A.
Protein change: p.Thr3778Asn; replaces threonine 3778 with asparagine.
Molecular consequence: missense variant.
Genome position (GRCh38, 1-based): chr1:186,114,875, C>A. VCF-style: chr1-186114875-C-A. GRCh37 (hg19) VCF-style: chr1-186084007-C-A.
Other names: short protein forms T3778N.
Identifiers: ClinVar variation 2015423 (VCV002015423.4), dbSNP rs199585281, ClinGen allele CA343942796.